The following is an entry in ClinVar:

ClinVar aggregate classification (germline): Uncertain significance. Review status: criteria provided, multiple submitters, no conflicts (2 of 4 stars). 2 submissions from 2 submitters: Uncertain significance (2). Last evaluated 2025-01-19.

Conditions:
Hereditary cancer-predisposing syndrome. Also called: Hereditary neoplastic syndrome; Hereditary Cancer Syndrome; Neoplastic Syndromes, Hereditary; Tumor predisposition. Identifiers: Orphanet 140162, MedGen C0027672, MeSH D009386, MONDO:0015356.

Allele frequency attached by ClinVar (database versions not stated): gnomAD exomes below 0.00001.
gnomAD v4.1: 1 of 1,614,162 alleles (0.000062%); highest among the groups gnomAD compares: East Asian, 0.0022%; no homozygotes.

Submissions (2):

Ambry Genetics
Classification: Uncertain significance for Hereditary cancer-predisposing syndrome. Last evaluated: 2025-01-19. Review status: criteria provided, single submitter. Criteria: Ambry Variant Classification Scheme 2023. Collection method: clinical testing. Allele origin: germline.
Comment: The p.A1209P variant (also known as c.3625G>C), located in coding exon 24 of the RAD50 gene, results from a G to C substitution at nucleotide position 3625. The alanine at codon 1209 is replaced by proline, an amino acid with highly similar properties. This amino acid position is conserved. In addition, this alteration is predicted to be deleterious by in silico analysis. Based on the available evidence, the clinical significance of this variant remains unclear.

Labcorp Genetics (formerly Invitae), Labcorp
Classification: Uncertain significance for Hereditary cancer-predisposing syndrome. Last evaluated: 2023-06-10. Review status: criteria provided, single submitter. Criteria: Invitae Variant Classification Sherloc (09022015). Collection method: clinical testing. Allele origin: germline.
Comment: In summary, the available evidence is currently insufficient to determine the role of this variant in disease. Therefore, it has been classified as a Variant of Uncertain Significance. Advanced modeling of protein sequence and biophysical properties (such as structural, functional, and spatial information, amino acid conservation, physicochemical variation, residue mobility, and thermodynamic stability) performed at Invitae indicates that this missense variant is expected to disrupt RAD50 protein function. ClinVar contains an entry for this variant (Variation ID: 1402399). This variant has not been reported in the literature in individuals affected with RAD50-related conditions. This variant is present in population databases (no rsID available, gnomAD 0.006%). This sequence change replaces alanine, which is neutral and non-polar, with proline, which is neutral and non-polar, at codon 1209 of the RAD50 protein (p.Ala1209Pro).

NM_005732.4(RAD50):c.3625G>C (p.Ala1209Pro)

Genes: TH2LCRR (T helper type 2 locus control region associated RNA; minus strand), RAD50 (RAD50 double strand break repair protein; plus strand), TH2-LCR (Th2 cytokine locus control region; plus strand). Cytogenetic location: 5q31.1.
Variant type: single nucleotide variant.
Coding change: c.3625G>C on transcript NM_005732.4 (MANE Select); coding-DNA position 3625, G replaced by C.
Protein change: p.Ala1209Pro; replaces alanine 1209 with proline.
Molecular consequence: missense variant.
Genome position (GRCh38, 1-based): chr5:132,640,678, G>C. VCF-style: chr5-132640678-G-C. GRCh37 (hg19) VCF-style: chr5-131976370-G-C.
Other names: c.3625G>C (NM_005732.3); short protein forms A1209P.
Identifiers: ClinVar variation 1402399 (VCV001402399.9), dbSNP rs1060501944, ClinGen allele CA360933477.